The following is an entry in ClinVar:

ClinVar aggregate classification (germline): Uncertain significance. Review status: criteria provided, multiple submitters, no conflicts (2 of 4 stars). 3 submissions from 3 submitters: Uncertain significance (3). Last evaluated 2024-04-18.

Conditions:
Fanconi anemia complementation group A (FANCA). Also called: FANCA-Related Fanconi Anemia; Fanconi anemia, group A. Identifiers: Orphanet 84, MedGen C3469521, MONDO:0009215, OMIM 227650.
Fanconi anemia (FA). Also called: Fanconi's anemia. Identifiers: Orphanet 84, MedGen C0015625, MeSH D005199, MONDO:0019391.

Allele frequency attached by ClinVar (database versions not stated): TOPMed below 0.00001; gnomAD exomes 0.00001; ExAC 0.00002.
gnomAD v4.1: 1 of 1,614,136 alleles (0.000062%); highest among the groups gnomAD compares: East Asian, 0.0022%; no homozygotes.

Submissions (3):

Quest Diagnostics Nichols Institute San Juan Capistrano
Classification: Uncertain significance. Last evaluated: 2024-04-18. Review status: criteria provided, single submitter. Criteria: Quest Diagnostics criteria. Collection method: clinical testing. Allele origin: unknown.
Comment: The FANCA c.1251G>T (p.Gln417His) variant has not been reported in individuals with FANCA-related conditions in the published literature. The frequency of this variant in the general population, 0.000008 (2/251172 chromosomes (Genome Aggregation Database)), is uninformative in the assessment of its pathogenicity. Analysis of this variant using bioinformatics tools for the prediction of the effect of amino acid changes on protein structure and function yielded predictions that this variant is benign. Based on the available information, we are unable to determine the clinical significance of this variant.

Labcorp Genetics (formerly Invitae), Labcorp
Classification: Uncertain significance for Fanconi anemia. Last evaluated: 2023-10-11. Review status: criteria provided, single submitter. Criteria: Invitae Variant Classification Sherloc (09022015). Collection method: clinical testing. Allele origin: germline.
Comment: This sequence change replaces glutamine, which is neutral and polar, with histidine, which is basic and polar, at codon 417 of the FANCA protein (p.Gln417His). This variant is present in population databases (rs779068860, gnomAD 0.01%). This variant has not been reported in the literature in individuals affected with FANCA-related conditions. ClinVar contains an entry for this variant (Variation ID: 1519418). Advanced modeling of protein sequence and biophysical properties (such as structural, functional, and spatial information, amino acid conservation, physicochemical variation, residue mobility, and thermodynamic stability) performed at Invitae indicates that this missense variant is not expected to disrupt FANCA protein function. Algorithms developed to predict the effect of sequence changes on RNA splicing suggest that this variant may disrupt the consensus splice site. In summary, the available evidence is currently insufficient to determine the role of this variant in disease. Therefore, it has been classified as a Variant of Uncertain Significance.

Fulgent Genetics
Classification: Uncertain significance for Fanconi anemia complementation group A. Last evaluated: 2021-07-08. Review status: criteria provided, single submitter. Criteria: ACMG Guidelines, 2015. Collection method: clinical testing. Allele origin: unknown.

NM_000135.4(FANCA):c.1251G>T (p.Gln417His)

Gene: FANCA (FA complementation group A; minus strand). Cytogenetic location: 16q24.3.
Variant type: single nucleotide variant.
Coding change: c.1251G>T on transcript NM_000135.4 (MANE Select); coding-DNA position 1251, G replaced by T.
Protein change: p.Gln417His; replaces glutamine 417 with histidine.
Molecular consequence: missense variant.
Genome position (GRCh38, 1-based): chr16:89,791,511, C>A on the plus strand (G>T on the coding strand, the complement: FANCA is on the minus strand). VCF-style: chr16-89791511-C-A. GRCh37 (hg19) VCF-style: chr16-89857919-C-A.
Other names: c.1251G>T (NM_000135.3); c.1251G>T, p.Gln417His (NM_001286167.3); short protein forms Q417H.
Identifiers: ClinVar variation 1519418 (VCV001519418.9), dbSNP rs779068860, ClinGen allele CA8252428.